The following is an entry in ClinVar:

ClinVar aggregate classification (germline): Pathogenic (1 of 4 stars; one submission).

Conditions:
Alport syndrome. Also called: Hemorrhagic familial nephritis; Hemorrhagic hereditary nephritis; Congenital hereditary hematuria. Identifiers: Orphanet 63, MedGen C1567741, MONDO:0018965.

Submission:

Myriad Genetics, Inc.
Classification: Pathogenic for Alport syndrome. Last evaluated: 2024-11-21. Review status: criteria provided, single submitter. Criteria: Myriad Autosomal Dominant, Autosomal Recessive and X-Linked Classification Criteria (2023). Collection method: clinical testing. Allele origin: unknown.
Comment: NM_000091.4(COL4A3):c.3341dupA(P1115Afs*6) is expected to be pathogenic in the context of Alport syndrome, COL4A3-related. This variant is predicted to lead to an abnormal or absent protein product due to the creation of a premature termination codon in COL4A3, a gene where loss-of-function variants are known to be pathogenic. Please note: this variant was assessed in the context of healthy population screening.

NM_000091.5(COL4A3):c.3341dup (p.Pro1115fs)

Genes: COL4A3 (collagen type IV alpha 3 chain; plus strand), MFF-DT (MFF divergent transcript; minus strand). Cytogenetic location: 2q36.3.
Variant type: Duplication.
Coding change: c.3341dup on transcript NM_000091.5 (MANE Select); coding-DNA position 3341, one base duplicated (A; older notation c.3341dupA).
Protein change: p.Pro1115fs; shifts the reading frame from proline 1115.
Molecular consequence: frameshift variant.
Genome position (GRCh38, 1-based): chr2:227,294,493, A duplicated; the last of 3 consecutive A bases (chr2:227,294,491-227,294,493); duplicating any one gives the same sequence. VCF-style (leftmost placement, unchanged base first): chr2-227294490-G-GA. GRCh37 (hg19) VCF-style: chr2-228159206-G-GA.
Other names: short protein forms P1115fs.
Identifiers: ClinVar variation 5013783 (VCV005013783.1).
Genomic context (GRCh38, chr2:227,294,490, plus strand): 5'-TGTTGTAATCATTTATCTTTTGGTGATCTTTTTTCTTCCTTCCCCTCTCTTCATTTCCAG[G>GA]AAAGCCAGGTCCTCATGGTGATTTGGGTTTTAAAGGAATCAAAGGCCTCCTGGGCCCTCC-3'